The following is an entry in ClinVar:

ClinVar aggregate classification (germline): Uncertain significance. Review status: criteria provided, multiple submitters, no conflicts (2 of 4 stars). 4 submissions from 4 submitters: Uncertain significance (4). Last evaluated 2026-07-01.

Conditions:
Inborn genetic diseases. Identifiers: MedGen C0950123, MeSH D030342.
PDZD7-related disorder. Also called: PDZD7-related disorders; PDZD7-related condition.

Allele frequency attached by ClinVar (database versions not stated): gnomAD 0.00002 and 0.00003; gnomAD exomes 0.00004 and 0.00019; TOPMed 0.00008; ExAC 0.00018.
gnomAD v4.1: 60 of 1,614,032 alleles (0.0037%); highest among the groups gnomAD compares: Admixed American, 0.082%; no homozygotes.

Submissions (4):

PreventionGenetics, part of Exact Sciences
Classification: Uncertain significance for PDZD7-related condition. Last evaluated: 2026-07-01. Review status: criteria provided, single submitter. Criteria: ACMG Guidelines, 2015. Collection method: clinical testing. Allele origin: germline.
Comment: The PDZD7 c.622C>T variant is predicted to result in the amino acid substitution p.Arg208Trp. To our knowledge, this variant has not been reported in the literature. This variant is reported in 0.12% of alleles in individuals of Latino descent in gnomAD. Although we suspect that this variant may be benign, at this time, the clinical significance of this variant is uncertain due to the absence of conclusive functional and genetic evidence.

Ambry Genetics
Classification: Uncertain significance for Inborn genetic diseases. Last evaluated: 2025-08-08. Review status: criteria provided, single submitter. Criteria: Ambry Variant Classification Scheme 2023. Collection method: clinical testing. Allele origin: germline.

Labcorp Genetics (formerly Invitae), Labcorp
Classification: Uncertain significance. Last evaluated: 2025-05-05. Review status: criteria provided, single submitter. Criteria: Invitae Variant Classification Sherloc (09022015). Collection method: clinical testing. Allele origin: germline.
Comment: This sequence change replaces arginine, which is basic and polar, with tryptophan, which is neutral and slightly polar, at codon 208 of the PDZD7 protein (p.Arg208Trp). This variant is present in population databases (rs775644699, gnomAD 0.1%). This variant has not been reported in the literature in individuals affected with PDZD7-related conditions. ClinVar contains an entry for this variant (Variation ID: 966121). Invitae Evidence Modeling of protein sequence and biophysical properties (such as structural, functional, and spatial information, amino acid conservation, physicochemical variation, residue mobility, and thermodynamic stability) indicates that this missense variant is not expected to disrupt PDZD7 protein function with a negative predictive value of 80%. In summary, the available evidence is currently insufficient to determine the role of this variant in disease. Therefore, it has been classified as a Variant of Uncertain Significance.

Blueprint Genetics
Classification: Uncertain significance. Last evaluated: 2024-03-18. Review status: criteria provided, single submitter. Criteria: ACMG Guidelines, 2015. Collection method: clinical testing. Allele origin: germline.

NM_001195263.2(PDZD7):c.622C>T (p.Arg208Trp)

Gene: PDZD7 (PDZ domain containing 7; minus strand). Cytogenetic location: 10q24.31.
Variant type: single nucleotide variant.
Coding change: c.622C>T on transcript NM_001195263.2 (MANE Select); coding-DNA position 622, C replaced by T.
Protein change: p.Arg208Trp; replaces arginine 208 with tryptophan.
Molecular consequence: missense variant.
Genome position (GRCh38, 1-based): chr10:101,022,306, G>A on the plus strand (C>T on the coding strand, the complement: PDZD7 is on the minus strand). VCF-style: chr10-101022306-G-A. GRCh37 (hg19) VCF-style: chr10-102782063-G-A.
Other names: c.622C>T, p.Arg208Trp (NM_001351044.2, NM_024895.5); short protein forms R208W.
Identifiers: ClinVar variation 966121 (VCV000966121.9), dbSNP rs775644699, ClinGen allele CA5654317.
Genomic context (GRCh38, chr10:101,022,306, plus strand): 5'-CACGGATGTTGAAGCCCAGGCAGAAGTCGTCGGAGGTTGTGTATAGGTGGACGATGCGCC[G>A]GACACCATCTTCTGAGCTGGTGTCGGAGGGTGTTGAACCGCACTTCTCCACTACCAGGCG-3'
Protein context (NP_001182192.1, residues 198-218): PSDTSSEDGV[Arg208Trp]RIVHLYTTSD